The following is an entry in ClinVar:

ClinVar aggregate classification (germline): Uncertain significance (1 of 4 stars; one submission).

Submission:

Labcorp Genetics (formerly Invitae), Labcorp
Classification: Uncertain significance. Last evaluated: 2023-12-17. Review status: criteria provided, single submitter. Criteria: Invitae Variant Classification Sherloc (09022015). Collection method: clinical testing. Allele origin: germline.
Comment: This sequence change replaces leucine, which is neutral and non-polar, with valine, which is neutral and non-polar, at codon 136 of the EMC1 protein (p.Leu136Val). This variant is not present in population databases (gnomAD no frequency). This variant has not been reported in the literature in individuals affected with EMC1-related conditions. Advanced modeling of protein sequence and biophysical properties (such as structural, functional, and spatial information, amino acid conservation, physicochemical variation, residue mobility, and thermodynamic stability) performed at Invitae indicates that this missense variant is not expected to disrupt EMC1 protein function with a negative predictive value of 80%. In summary, the available evidence is currently insufficient to determine the role of this variant in disease. Therefore, it has been classified as a Variant of Uncertain Significance.

NM_015047.3(EMC1):c.406C>G (p.Leu136Val)

Gene: EMC1 (ER membrane protein complex subunit 1; minus strand). Cytogenetic location: 1p36.13.
Variant type: single nucleotide variant.
Coding change: c.406C>G on transcript NM_015047.3 (MANE Select); coding-DNA position 406, C replaced by G.
Protein change: p.Leu136Val; replaces leucine 136 with valine.
Molecular consequence: missense variant.
Genome position (GRCh38, 1-based): chr1:19,242,448, G>C on the plus strand (C>G on the coding strand, the complement: EMC1 is on the minus strand). VCF-style: chr1-19242448-G-C. GRCh37 (hg19) VCF-style: chr1-19568942-G-C.
Other names: c.406C>G, p.Leu136Val (NM_001375820.1, NM_001375821.1, NM_001271427.2 and 1 more transcripts); c.340C>G, p.Leu114Val (NM_001271429.2); short protein forms L114V, L136V.
Identifiers: ClinVar variation 2703652 (VCV002703652.3), dbSNP rs1165170369, ClinGen allele CA338770812.
Genomic context (GRCh38, chr1:19,242,448, plus strand): 5'-GGTGATGGAGGGCAAGTGTAGTCTTCTTCAGGACTGCGATGTACCTTACAGACTCCTGCA[G>C]GCCAACCAGCCCAAGTGCCTGGAAACTGAACACAAGTACAGGTTGAGAGCAGCCCACACC-3'
Protein context (NP_055862.1, residues 126-146): GSFQALGLVG[Leu136Val]QESVRYIAVL